The following is an entry in ClinVar:

NM_001001331.4(ATP2B2):c.2216G>C (p.Arg739Pro)

Gene: ATP2B2 (ATPase plasma membrane Ca2+ transporting 2; minus strand). Cytogenetic location: 3p25.3.
Variant type: single nucleotide variant.
Coding change: c.2216G>C on transcript NM_001001331.4 (MANE Select); coding-DNA position 2216, G replaced by C.
Protein change: p.Arg739Pro; replaces arginine 739 with proline.
Molecular consequence: missense variant.
Genome position (GRCh38, 1-based): chr3:10,350,498, C>G on the plus strand (G>C on the coding strand, the complement: ATP2B2 is on the minus strand). VCF-style: chr3-10350498-C-G. GRCh37 (hg19) VCF-style: chr3-10392182-C-G.
Other names: c.2081G>C, p.Arg694Pro (NM_001330611.3, NM_001353564.1, NM_001363862.1 and 1 more transcripts); short protein forms R739P, R694P.
Identifiers: ClinVar variation 2745967 (VCV002745967.3), dbSNP rs778544762, ClinGen allele CA2253460.

ClinVar aggregate classification (germline): Uncertain significance (1 of 4 stars; one submission).

Allele frequency attached by ClinVar (database versions not stated): ExAC 0.00063.

Submission:

Labcorp Genetics (formerly Invitae), Labcorp
Classification: Uncertain significance. Last evaluated: 2023-08-29. Review status: criteria provided, single submitter. Criteria: Invitae Variant Classification Sherloc (09022015). Collection method: clinical testing. Allele origin: germline.
Comment: The frequency data for this variant in the population databases is considered unreliable, as metrics indicate poor data quality at this position in the gnomAD database. In summary, the available evidence is currently insufficient to determine the role of this variant in disease. Therefore, it has been classified as a Variant of Uncertain Significance. Advanced modeling of protein sequence and biophysical properties (such as structural, functional, and spatial information, amino acid conservation, physicochemical variation, residue mobility, and thermodynamic stability) performed at Invitae indicates that this missense variant is expected to disrupt ATP2B2 protein function. This variant has not been reported in the literature in individuals affected with ATP2B2-related conditions. This sequence change replaces arginine, which is basic and polar, with proline, which is neutral and non-polar, at codon 694 of the ATP2B2 protein (p.Arg694Pro).